The following is an entry in ClinVar:

NM_016239.4(MYO15A):c.395C>T (p.Thr132Met)

Gene: MYO15A (myosin XVA; plus strand). Cytogenetic location: 17p11.2.
Variant type: single nucleotide variant.
Coding change: c.395C>T on transcript NM_016239.4 (MANE Select); coding-DNA position 395, C replaced by T.
Protein change: p.Thr132Met; replaces threonine 132 with methionine.
Molecular consequence: missense variant.
Genome position (GRCh38, 1-based): chr17:18,119,195, C>T. VCF-style: chr17-18119195-C-T. GRCh37 (hg19) VCF-style: chr17-18022509-C-T.
Other names: short protein forms T132M.
Identifiers: ClinVar variation 1306706 (VCV001306706.4), dbSNP rs765835381, ClinGen allele CA288385512.

ClinVar aggregate classification (germline): Uncertain significance. Review status: criteria provided, multiple submitters, no conflicts (2 of 4 stars). 2 submissions from 2 submitters: Uncertain significance (2). Last evaluated 2022-12-19.

Conditions:
Inborn genetic diseases. Identifiers: MedGen C0950123, MeSH D030342.

Submissions (2):

Ambry Genetics
Classification: Uncertain significance for Inborn genetic diseases. Last evaluated: 2022-12-19. Review status: criteria provided, single submitter. Criteria: Ambry Variant Classification Scheme 2023. Collection method: clinical testing. Allele origin: germline.

GeneDx
Classification: Uncertain significance. Last evaluated: 2019-07-02. Review status: criteria provided, single submitter. Criteria: GeneDx Variant Classification Process June 2021. Collection method: clinical testing. Allele origin: germline. Affected: yes.
Comment: Not observed at a significant frequency in large population cohorts (Lek et al., 2016); In silico analysis, which includes protein predictors and evolutionary conservation, supports that this variant does not alter protein structure/function; Has not been previously published as pathogenic or benign to our knowledge